The following is an entry in ClinVar:

NM_152743.4(BRAT1):c.364G>A (p.Gly122Ser)

Gene: BRAT1 (BRCA1 associated ATM activator 1; minus strand). Cytogenetic location: 7p22.3.
Variant type: single nucleotide variant.
Coding change: c.364G>A on transcript NM_152743.4 (MANE Select); coding-DNA position 364, G replaced by A.
Protein change: p.Gly122Ser; replaces glycine 122 with serine.
Molecular consequence: missense variant. On other transcripts: non-coding transcript variant (1), intron variant (1).
Genome position (GRCh38, 1-based): chr7:2,544,975, C>T on the plus strand (G>A on the coding strand, the complement: BRAT1 is on the minus strand). VCF-style: chr7-2544975-C-T. GRCh37 (hg19) VCF-style: chr7-2584609-C-T.
Other names: c.364G>A, p.Gly122Ser (NM_001350626.2); c.-95-1013G>A (NM_001350627.2); short protein forms G122S.
Identifiers: ClinVar variation 656312 (VCV000656312.7), dbSNP rs368753862, ClinGen allele CA4128226.

ClinVar aggregate classification (germline): Uncertain significance. Review status: criteria provided, multiple submitters, no conflicts (2 of 4 stars). 2 submissions from 2 submitters: Uncertain significance (2). Last evaluated 2025-03-27.

Conditions:
Inborn genetic diseases. Identifiers: MedGen C0950123, MeSH D030342.
Neonatal-onset encephalopathy with rigidity and seizures. Also called: Lethal neonatal spasticity-epileptic encephalopathy syndrome. Identifiers: Orphanet 435845, MedGen C3281029, MONDO:0013784, OMIM 614498.

Allele frequency attached by ClinVar (database versions not stated): TOPMed 0.00005; gnomAD 0.00001 and 0.00003; gnomAD exomes 0.00003; ExAC 0.00005.

Submissions (2):

Ambry Genetics
Classification: Uncertain significance for Inborn genetic diseases. Last evaluated: 2025-03-27. Review status: criteria provided, single submitter. Criteria: Ambry Variant Classification Scheme 2023. Collection method: clinical testing. Allele origin: germline.

Labcorp Genetics (formerly Invitae), Labcorp
Classification: Uncertain significance for Neonatal-onset encephalopathy with rigidity and seizures. Last evaluated: 2022-06-22. Review status: criteria provided, single submitter. Criteria: Invitae Variant Classification Sherloc (09022015). Collection method: clinical testing. Allele origin: germline.
Comment: This sequence change replaces glycine, which is neutral and non-polar, with serine, which is neutral and polar, at codon 122 of the BRAT1 protein (p.Gly122Ser). This variant is present in population databases (rs368753862, gnomAD 0.01%). This variant has not been reported in the literature in individuals affected with BRAT1-related conditions. ClinVar contains an entry for this variant (Variation ID: 656312). Algorithms developed to predict the effect of missense changes on protein structure and function are either unavailable or do not agree on the potential impact of this missense change (SIFT: "Deleterious"; PolyPhen-2: "Probably Damaging"; Align-GVGD: "Class C0"). Algorithms developed to predict the effect of sequence changes on RNA splicing suggest that this variant may create or strengthen a splice site. In summary, the available evidence is currently insufficient to determine the role of this variant in disease. Therefore, it has been classified as a Variant of Uncertain Significance.